The following is an entry in ClinVar:

NM_001918.5(DBT):c.1281+5A>G

Gene: DBT (dihydrolipoamide branched chain transacylase E2; minus strand). Cytogenetic location: 1p21.2.
Variant type: single nucleotide variant.
Coding change: c.1281+5A>G on transcript NM_001918.5 (MANE Select); 5 bases into the intron after coding-DNA position 1281, A replaced by G.
Molecular consequence: intron variant.
Genome position (GRCh38, 1-based): chr1:100,206,225, T>C on the plus strand (A>G on the coding strand, the complement: DBT is on the minus strand). VCF-style: chr1-100206225-T-C. GRCh37 (hg19) VCF-style: chr1-100671781-T-C.
Other names: c.1281+5A>G (NM_001918.2).
Identifiers: ClinVar variation 965930 (VCV000965930.8), dbSNP rs199571242, ClinGen allele CA969520.

ClinVar aggregate classification (germline): Uncertain significance. Review status: criteria provided, multiple submitters, no conflicts (2 of 4 stars). 5 submissions from 5 submitters: Uncertain significance (4). 1 of the submissions does not count toward it. Last evaluated 2024-10-29.

Conditions:
Inborn genetic diseases. Identifiers: MedGen C0950123, MeSH D030342.
DBT-related disorder. Also called: DBT-related condition.
Maple syrup urine disease (MSUD). Identifiers: Orphanet 511, MedGen C0024776, MeSH D008375, MONDO:0009563. Disease mechanism: loss of function.

Allele frequency attached by ClinVar (database versions not stated): gnomAD exomes 0.00001 and 0.00002; ExAC 0.00002; TOPMed 0.00002; gnomAD 0.00006 and 0.00007.
gnomAD v4.1: 45 of 1,606,190 alleles (0.0028%); highest among the groups gnomAD compares: Middle Eastern, 0.066%; no homozygotes.

Submissions (5):

Labcorp Genetics (formerly Invitae), Labcorp
Classification: Uncertain significance for Maple syrup urine disease. Last evaluated: 2024-10-29. Review status: criteria provided, single submitter. Criteria: Invitae Variant Classification Sherloc (09022015). Collection method: clinical testing. Allele origin: germline.
Comment: This sequence change falls in intron 10 of the DBT gene. It does not directly change the encoded amino acid sequence of the DBT protein. It affects a nucleotide within the consensus splice site. This variant is present in population databases (rs199571242, gnomAD 0.008%). This variant has not been reported in the literature in individuals affected with DBT-related conditions. ClinVar contains an entry for this variant (Variation ID: 965930). Variants that disrupt the consensus splice site are a relatively common cause of aberrant splicing (PMID: 17576681, 9536098). Algorithms developed to predict the effect of sequence changes on RNA splicing suggest that this variant is not likely to affect RNA splicing. In summary, the available evidence is currently insufficient to determine the role of this variant in disease. Therefore, it has been classified as a Variant of Uncertain Significance.

Women's Health and Genetics/Laboratory Corporation of America, LabCorp
Classification: Uncertain significance. Last evaluated: 2023-10-29. Review status: criteria provided, single submitter. Criteria: LabCorp Variant Classification Summary - May 2015. Collection method: clinical testing. Allele origin: germline.

Genome-Nilou Lab
Classification: Uncertain significance for Maple syrup urine disease type 1A. Last evaluated: 2023-04-11. Review status: criteria provided, single submitter. Criteria: ACMG Guidelines, 2015. Collection method: clinical testing. Allele origin: germline. Affected: no.

Ambry Genetics
Classification: Uncertain significance for Inborn genetic diseases. Last evaluated: 2021-10-13. Review status: criteria provided, single submitter. Criteria: Ambry Variant Classification Scheme 2023. Collection method: clinical testing. Allele origin: germline.
Comment: The c.1281+5A>G intronic alteration consists of a A to G substitution 5 nucleotides after exon 10 of the DBT gene. Based on insufficient or conflicting evidence, the clinical significance of this alteration remains unclear.

PreventionGenetics, part of Exact Sciences
Classification: Likely benign for DBT-related condition. Last evaluated: 2020-03-15. Review status: no assertion criteria provided. Collection method: clinical testing. Allele origin: germline. Not counted in ClinVar's aggregate classification.
Comment: This variant is classified as likely benign based on ACMG/AMP sequence variant interpretation guidelines (Richards et al. 2015 PMID: 25741868, with internal and published modifications).

Literature cited by the submitters: PubMed 17576681 (cited by Labcorp Genetics (formerly Invitae), Labcorp); PubMed 9536098 (cited by Labcorp Genetics (formerly Invitae), Labcorp).